The following is an entry in ClinVar:

NM_000098.3(CPT2):c.152+1G>T

Genes: CPT2 (carnitine palmitoyltransferase 2; plus strand), LOC129930561 (ATAC-STARR-seq lymphoblastoid silent region 902; plus strand). Cytogenetic location: 1p32.3.
Variant type: single nucleotide variant.
Coding change: c.152+1G>T on transcript NM_000098.3 (MANE Select); the canonical splice donor site of the intron after coding-DNA position 152, G replaced by T.
Molecular consequence: splice donor variant.
Genome position (GRCh38, 1-based): chr1:53,197,096, G>T. VCF-style: chr1-53197096-G-T. GRCh37 (hg19) VCF-style: chr1-53662768-G-T.
Other names: c.152+1G>T (NM_001330589.2).
Identifiers: ClinVar variation 1345968 (VCV001345968.6), dbSNP rs2100255111, ClinGen allele CA340388860.

ClinVar aggregate classification (germline): Likely pathogenic (1 of 4 stars; one submission).

Conditions:
Carnitine palmitoyltransferase II deficiency. Also called: Carnitine Palmitoyltransferase 2 Deficiency. Identifiers: Orphanet 157, MedGen C0342790, MONDO:0015515.

Allele frequency attached by ClinVar (database versions not stated): gnomAD exomes below 0.00001.
gnomAD v4.1: 1 of 1,538,154 alleles (0.000065%); no homozygotes.

Submission:

Labcorp Genetics (formerly Invitae), Labcorp
Classification: Likely pathogenic for Carnitine palmitoyltransferase II deficiency. Last evaluated: 2023-08-02. Review status: criteria provided, single submitter. Criteria: Invitae Variant Classification Sherloc (09022015). Collection method: clinical testing. Allele origin: germline.
Comment: This variant is not present in population databases (gnomAD no frequency). In summary, the currently available evidence indicates that the variant is pathogenic, but additional data are needed to prove that conclusively. Therefore, this variant has been classified as Likely Pathogenic. Algorithms developed to predict the effect of sequence changes on RNA splicing suggest that this variant may disrupt the consensus splice site. ClinVar contains an entry for this variant (Variation ID: 1345968). This variant has not been reported in the literature in individuals affected with CPT2-related conditions. This sequence change affects a donor splice site in intron 1 of the CPT2 gene. It is expected to disrupt RNA splicing. Variants that disrupt the donor or acceptor splice site typically lead to a loss of protein function (PMID: 16199547), and loss-of-function variants in CPT2 are known to be pathogenic (PMID: 16781677, 16996287).

Literature cited by the submitters: PubMed 16199547; PubMed 16781677; PubMed 16996287.